The following is an entry in ClinVar:

ClinVar aggregate classification (germline): Uncertain significance. Review status: criteria provided, multiple submitters, no conflicts (2 of 4 stars). 2 submissions from 2 submitters: Uncertain significance (2). Last evaluated 2022-12-06.

Allele frequency attached by ClinVar (database versions not stated): ESP Exome Variant Server 0.00008.
gnomAD v4.1: 13 of 1,613,034 alleles (0.00081%); highest among the groups gnomAD compares: Non-Finnish European, 0.001%; no homozygotes.

Submissions (2):

Labcorp Genetics (formerly Invitae), Labcorp
Classification: Uncertain significance. Last evaluated: 2022-12-06. Review status: criteria provided, single submitter. Criteria: Invitae Variant Classification Sherloc (09022015). Collection method: clinical testing. Allele origin: germline.
Comment: ClinVar contains an entry for this variant (Variation ID: 1519531). Advanced modeling of protein sequence and biophysical properties (such as structural, functional, and spatial information, amino acid conservation, physicochemical variation, residue mobility, and thermodynamic stability) performed at Invitae indicates that this missense variant is not expected to disrupt WFS1 protein function. In summary, the available evidence is currently insufficient to determine the role of this variant in disease. Therefore, it has been classified as a Variant of Uncertain Significance. This variant is present in population databases (rs143055296, gnomAD 0.003%). This sequence change replaces arginine, which is basic and polar, with proline, which is neutral and non-polar, at codon 676 of the WFS1 protein (p.Arg676Pro). This variant has not been reported in the literature in individuals affected with WFS1-related conditions.

Blueprint Genetics
Classification: Uncertain significance. Last evaluated: 2021-11-23. Review status: criteria provided, single submitter. Criteria: ACMG Guidelines, 2015. Collection method: clinical testing. Allele origin: germline.

NM_006005.3(WFS1):c.2027G>C (p.Arg676Pro)

Gene: WFS1 (wolframin ER transmembrane glycoprotein; plus strand). Cytogenetic location: 4p16.1.
Variant type: single nucleotide variant.
Coding change: c.2027G>C on transcript NM_006005.3 (MANE Select); coding-DNA position 2027, G replaced by C.
Protein change: p.Arg676Pro; replaces arginine 676 with proline.
Molecular consequence: missense variant.
Genome position (GRCh38, 1-based): chr4:6,301,822, G>C. VCF-style: chr4-6301822-G-C. GRCh37 (hg19) VCF-style: chr4-6303549-G-C.
Other names: c.2027G>C, p.Arg676Pro (NM_001145853.1); short protein forms R676P.
Identifiers: ClinVar variation 1519531 (VCV001519531.9), dbSNP rs143055296, ClinGen allele CA2839578.